The following is an entry in ClinVar:

ClinVar aggregate classification (germline): Uncertain significance (1 of 4 stars; one submission).

Conditions:
Succinate-semialdehyde dehydrogenase deficiency (SSADHD). Also called: SSADH DEFICIENCY; 4-HYDROXYBUTYRIC ACIDURIA; GABA METABOLIC DEFECT; Succinic Semialdehyde Dehydrogenase Deficiency. Identifiers: Orphanet 22, MedGen C0268631, MONDO:0010083, OMIM 271980.

Allele frequency attached by ClinVar (database versions not stated): gnomAD 0.00001; TOPMed 0.00003.
gnomAD v4.1: 48 of 1,354,548 alleles (0.0035%); highest among the groups gnomAD compares: Non-Finnish European, 0.0045%; no homozygotes.

Submission:

Labcorp Genetics (formerly Invitae), Labcorp
Classification: Uncertain significance for Succinate-semialdehyde dehydrogenase deficiency. Last evaluated: 2021-12-30. Review status: criteria provided, single submitter. Criteria: Invitae Variant Classification Sherloc (09022015). Collection method: clinical testing. Allele origin: germline.
Comment: This sequence change replaces glycine, which is neutral and non-polar, with arginine, which is basic and polar, at codon 16 of the ALDH5A1 protein (p.Gly16Arg). The frequency data for this variant in the population databases is considered unreliable, as metrics indicate poor data quality at this position in the gnomAD database. This variant has not been reported in the literature in individuals affected with ALDH5A1-related conditions. Advanced modeling of protein sequence and biophysical properties (such as structural, functional, and spatial information, amino acid conservation, physicochemical variation, residue mobility, and thermodynamic stability) performed at Invitae indicates that this missense variant is not expected to disrupt ALDH5A1 protein function. In summary, the available evidence is currently insufficient to determine the role of this variant in disease. Therefore, it has been classified as a Variant of Uncertain Significance.

NM_001080.3(ALDH5A1):c.46G>C (p.Gly16Arg)

Genes: ALDH5A1 (aldehyde dehydrogenase 5 family member A1; plus strand), GPLD1 (glycosylphosphatidylinositol specific phospholipase D1; minus strand), LOC129995978 (ATAC-STARR-seq lymphoblastoid silent region 16989; plus strand). Cytogenetic location: 6p22.3.
Variant type: single nucleotide variant.
Coding change: c.46G>C on transcript NM_001080.3 (MANE Select); coding-DNA position 46, G replaced by C.
Protein change: p.Gly16Arg; replaces glycine 16 with arginine.
Molecular consequence: missense variant.
Genome position (GRCh38, 1-based): chr6:24,495,042, G>C. VCF-style: chr6-24495042-G-C. GRCh37 (hg19) VCF-style: chr6-24495270-G-C.
Other names: c.46G>C, p.Gly16Arg (NM_001368954.1, NM_170740.1); short protein forms G16R.
Identifiers: ClinVar variation 2195043 (VCV002195043.1), dbSNP rs1224797369, ClinGen allele CA362968126.